The following is an entry in ClinVar:

NM_024675.4(PALB2):c.2986G>A (p.Glu996Lys)

Gene: PALB2 (partner and localizer of BRCA2; minus strand). Cytogenetic location: 16p12.2.
Variant type: single nucleotide variant.
Coding change: c.2986G>A on transcript NM_024675.4 (MANE Select); coding-DNA position 2986, G replaced by A.
Protein change: p.Glu996Lys; replaces glutamic acid 996 with lysine.
Molecular consequence: missense variant. On other transcripts: intron variant (1).
Genome position (GRCh38, 1-based): chr16:23,622,979, C>T on the plus strand (G>A on the coding strand, the complement: PALB2 is on the minus strand). VCF-style: chr16-23622979-C-T. GRCh37 (hg19) VCF-style: chr16-23634300-C-T.
Other names: c.2926G>A, p.Glu976Lys (NM_001407296.1); c.2914G>A, p.Glu972Lys (NM_001407297.1); c.2824G>A, p.Glu942Lys (NM_001407298.1, NM_001407302.1); c.2986G>A, p.Glu996Lys (NM_001407299.1, NM_001407301.1); c.2101G>A, p.Glu701Lys (NM_001407304.1, NM_001407305.1, NM_001407306.1 and 4 more transcripts); c.1939G>A, p.Glu647Lys (NM_001407307.1); c.1198G>A, p.Glu400Lys (NM_001407312.1, NM_001407313.1); c.520G>A, p.Glu174Lys (NM_001407314.1); and 1 more; short protein forms E972K, E174K, E701K, E942K, E996K, E400K, E647K, E976K.
Identifiers: ClinVar variation 4771375 (VCV004771375.2).

ClinVar aggregate classification (germline): Conflicting classifications of pathogenicity. Review status: criteria provided, conflicting classifications (1 of 4 stars). 2 submissions from 2 submitters: Uncertain significance (1); Likely benign (1). Last evaluated 2026-08-31.

Conditions:
Familial cancer of breast. Also called: BREAST CANCER, FAMILIAL; Hereditary breast cancer; hereditary breast carcinoma. Identifiers: Orphanet 227535, MedGen C0346153, MONDO:0016419, OMIM 114480. Disease mechanism: loss of function.
Hereditary cancer-predisposing syndrome. Also called: Hereditary Cancer Syndrome; Hereditary neoplastic syndrome; Neoplastic Syndromes, Hereditary; Tumor predisposition. Identifiers: Orphanet 140162, MedGen C0027672, MeSH D009386, MONDO:0015356.

Submissions (2):

Ambry Genetics
Classification: Likely benign for Hereditary cancer-predisposing syndrome. Last evaluated: 2026-08-31. Review status: criteria provided, single submitter. Criteria: Ambry Variant Classification Scheme 2023. Collection method: clinical testing. Allele origin: germline.

Labcorp Genetics (formerly Invitae), Labcorp
Classification: Uncertain significance for Familial cancer of breast. Last evaluated: 2025-07-29. Review status: criteria provided, single submitter. Criteria: Invitae Variant Classification Sherloc (09022015). Collection method: clinical testing. Allele origin: germline.
Comment: This sequence change replaces glutamic acid, which is acidic and polar, with lysine, which is basic and polar, at codon 996 of the PALB2 protein (p.Glu996Lys). This variant is not present in population databases (gnomAD no frequency). This variant has not been reported in the literature in individuals affected with PALB2-related conditions. Invitae Evidence Modeling of protein sequence and biophysical properties (such as structural, functional, and spatial information, amino acid conservation, physicochemical variation, residue mobility, and thermodynamic stability) indicates that this missense variant is not expected to disrupt PALB2 protein function with a negative predictive value of 80%. In summary, the available evidence is currently insufficient to determine the role of this variant in disease. Therefore, it has been classified as a Variant of Uncertain Significance.

Literature cited by the submitters: PubMed 41554690 (cited by Ambry Genetics).